The following is an entry in ClinVar:

NM_019066.5(MAGEL2):c.3064G>A (p.Glu1022Lys)

Gene: MAGEL2 (MAGE family member L2; minus strand). Cytogenetic location: 15q11.2.
Variant type: single nucleotide variant.
Coding change: c.3064G>A on transcript NM_019066.5 (MANE Select); coding-DNA position 3064, G replaced by A.
Protein change: p.Glu1022Lys; replaces glutamic acid 1022 with lysine.
Molecular consequence: missense variant.
Genome position (GRCh38, 1-based): chr15:23,644,679, C>T on the plus strand (G>A on the coding strand, the complement: MAGEL2 is on the minus strand). VCF-style: chr15-23644679-C-T. GRCh37 (hg19) VCF-style: chr15-23889826-C-T.
Other names: short protein forms E1022K.
Identifiers: ClinVar variation 2501343 (VCV002501343.1), dbSNP rs2503975280, ClinGen allele CA391326146.
Genomic context (GRCh38, chr15:23,644,679, plus strand): 5'-GGACAGGCACCTTGGCTTGGTCCTTGACTAAGAGGAACTGCACCAACGCATTTGCCCTCT[C>T]ATCCAAGGGAGACAAGGGCTGTGCCTCCACCTTGGAATTATCCTGGGTGGCACTGGATCC-3'
Protein context (NP_061939.3, residues 1012-1032): VEAQPLSPLD[Glu1022Lys]RANALVQFLL

ClinVar aggregate classification (germline): Uncertain significance (1 of 4 stars; one submission).

Submission:

GeneDx
Classification: Uncertain significance. Last evaluated: 2022-11-07. Review status: criteria provided, single submitter. Criteria: GeneDx Variant Classification Process June 2021. Collection method: clinical testing. Allele origin: germline. Affected: yes.
Comment: Not observed at significant frequency in large population cohorts (gnomAD); In silico analysis supports that this missense variant has a deleterious effect on protein structure/function; Has not been previously published as pathogenic or benign to our knowledge